The following is an entry in ClinVar:

NM_023077.3(COA7):c.646C>G (p.Gln216Glu)

Gene: COA7 (cytochrome c oxidase assembly factor 7; minus strand). Cytogenetic location: 1p32.3.
Variant type: single nucleotide variant.
Coding change: c.646C>G on transcript NM_023077.3 (MANE Select); coding-DNA position 646, C replaced by G.
Protein change: p.Gln216Glu; replaces glutamine 216 with glutamic acid.
Molecular consequence: missense variant.
Genome position (GRCh38, 1-based): chr1:52,687,770, G>C on the plus strand (C>G on the coding strand, the complement: COA7 is on the minus strand). VCF-style: chr1-52687770-G-C. GRCh37 (hg19) VCF-style: chr1-53153442-G-C.
Other names: short protein forms Q216E.
Identifiers: ClinVar variation 2030887 (VCV002030887.4), dbSNP rs772647760, ClinGen allele CA855618.

ClinVar aggregate classification (germline): Uncertain significance (1 of 4 stars; one submission).

Allele frequency attached by ClinVar (database versions not stated): gnomAD exomes below 0.00001; ExAC 0.00001.

Submission:

Labcorp Genetics (formerly Invitae), Labcorp
Classification: Uncertain significance. Last evaluated: 2024-10-15. Review status: criteria provided, single submitter. Criteria: Invitae Variant Classification Sherloc (09022015). Collection method: clinical testing. Allele origin: germline.
Comment: This sequence change replaces glutamine, which is neutral and polar, with glutamic acid, which is acidic and polar, at codon 216 of the COA7 protein (p.Gln216Glu). This variant is not present in population databases (gnomAD no frequency). This variant has not been reported in the literature in individuals affected with COA7-related conditions. ClinVar contains an entry for this variant (Variation ID: 2030887). An algorithm developed to predict the effect of missense changes on protein structure and function (PolyPhen-2) suggests that this variant is likely to be tolerated. In summary, the available evidence is currently insufficient to determine the role of this variant in disease. Therefore, it has been classified as a Variant of Uncertain Significance.